The following is an entry in ClinVar:

NM_000135.4(FANCA):c.401C>T (p.Pro134Leu)

Gene: FANCA (FA complementation group A; minus strand). Cytogenetic location: 16q24.3.
Variant type: single nucleotide variant.
Coding change: c.401C>T on transcript NM_000135.4 (MANE Select); coding-DNA position 401, C replaced by T.
Protein change: p.Pro134Leu; replaces proline 134 with leucine.
Molecular consequence: missense variant.
Genome position (GRCh38, 1-based): chr16:89,810,954, G>A on the plus strand (C>T on the coding strand, the complement: FANCA is on the minus strand). VCF-style: chr16-89810954-G-A. GRCh37 (hg19) VCF-style: chr16-89877362-G-A.
Other names: c.401C>T (NM_000135.2); c.401C>T, p.Pro134Leu (NM_001018112.3, NM_001286167.3, NM_001351830.2); short protein forms P134L.
Identifiers: ClinVar variation 1042177 (VCV001042177.12), dbSNP rs143570168, ClinGen allele CA8253035.
Genomic context (GRCh38, chr16:89,810,954, plus strand): 5'-ACGGGCAGGTTTCCTCATCTTTGCTGGTGTCTTACTCTCTGCTCCACAGTCAGCAGCACA[G>A]GGTGACTGGTCTCCGCTGGAGCCGTGCAGATCTGTCCCACGCTAGAGGCAACCATCCCGG-3'
Protein context (NP_000126.2, residues 124-144): ICTAPAETSH[Pro134Leu]VLLTVEQRKK

ClinVar aggregate classification (germline): Uncertain significance. Review status: criteria provided, multiple submitters, no conflicts (2 of 4 stars). 4 submissions from 4 submitters: Uncertain significance (3). 1 of the submissions does not count toward it. Last evaluated 2025-02-06.

Conditions:
Inborn genetic diseases. Identifiers: MedGen C0950123, MeSH D030342.
Fanconi anemia (FA). Also called: Fanconi's anemia. Identifiers: Orphanet 84, MedGen C0015625, MeSH D005199, MONDO:0019391.

Allele frequency attached by ClinVar (database versions not stated): gnomAD 0.00002 and 0.00003; 1000 Genomes Project 0.00040; ExAC 0.00002; 1000 Genomes Project 30x 0.00031; gnomAD exomes 0.00001; TOPMed 0.00001.
gnomAD v4.1: 12 of 1,614,130 alleles (0.00074%); highest among the groups gnomAD compares: African/African-American, 0.016%; no homozygotes.

Submissions (4):

Ambry Genetics
Classification: Uncertain significance for Inborn genetic diseases. Last evaluated: 2025-02-06. Review status: criteria provided, single submitter. Criteria: Ambry Variant Classification Scheme 2023. Collection method: clinical testing. Allele origin: germline.
Comment: The p.P134L variant (also known as c.401C>T), located in coding exon 4 of the FANCA gene, results from a C to T substitution at nucleotide position 401. The proline at codon 134 is replaced by leucine, an amino acid with similar properties. This amino acid position is conserved. In addition, this alteration is predicted to be tolerated by in silico analysis. Based on the available evidence, the clinical significance of this variant remains unclear.

GeneDx
Classification: Uncertain significance. Last evaluated: 2023-12-17. Review status: criteria provided, single submitter. Criteria: GeneDx Variant Classification Process June 2021. Collection method: clinical testing. Allele origin: germline.
Comment: In silico analysis supports that this missense variant has a deleterious effect on protein structure/function; Has not been previously published as pathogenic or benign to our knowledge

Labcorp Genetics (formerly Invitae), Labcorp
Classification: Uncertain significance for Fanconi anemia. Last evaluated: 2021-09-01. Review status: criteria provided, single submitter. Criteria: Invitae Variant Classification Sherloc (09022015). Collection method: clinical testing. Allele origin: germline.
Comment: This sequence change replaces proline with leucine at codon 134 of the FANCA protein (p.Pro134Leu). The proline residue is weakly conserved and there is a moderate physicochemical difference between proline and leucine. This variant is present in population databases (rs143570168, ExAC 0.02%). This variant has not been reported in the literature in individuals affected with FANCA-related conditions. Algorithms developed to predict the effect of missense changes on protein structure and function are either unavailable or do not agree on the potential impact of this missense change (SIFT: "Tolerated"; PolyPhen-2: "Possibly Damaging"; Align-GVGD: "Class C0"). In summary, the available evidence is currently insufficient to determine the role of this variant in disease. Therefore, it has been classified as a Variant of Uncertain Significance.

Natera, Inc.
Classification: Uncertain significance for Fanconi anemia. Last evaluated: 2020-05-28. Review status: no assertion criteria provided. Collection method: clinical testing. Allele origin: germline. Not counted in ClinVar's aggregate classification.